The following is an entry in ClinVar:

NM_001282717.2(STAG3):c.2823G>A (p.Gln941=)

Gene: STAG3 (STAG3 cohesin complex component; plus strand). Cytogenetic location: 7q22.1.
Variant type: single nucleotide variant.
Coding change: c.2823G>A on transcript NM_001282717.2 (MANE Select); coding-DNA position 2823, G replaced by A.
Protein change: p.Gln941=; no amino-acid change (glutamine 941 retained).
Molecular consequence: synonymous variant.
Genome position (GRCh38, 1-based): chr7:100,204,647, G>A. VCF-style: chr7-100204647-G-A. GRCh37 (hg19) VCF-style: chr7-99802270-G-A.
Other names: c.2823G>A, p.Gln941= (NM_001282716.1, NM_001375438.1, NM_012447.4); c.2649G>A, p.Gln883= (NM_001282718.2).
Identifiers: ClinVar variation 3052700 (VCV003052700.3), dbSNP rs140436161, ClinGen allele CA4378882.

ClinVar aggregate classification (germline): Likely benign. Review status: criteria provided, single submitter (1 of 4 stars). 2 submissions from 2 submitters: Likely benign (1). 1 of the submissions does not count toward it. Last evaluated 2024-08-21.

Conditions:
STAG3-related disorder. Also called: STAG3-related condition.

Allele frequency attached by ClinVar (database versions not stated): gnomAD exomes 0.00005; ExAC 0.00008; gnomAD 0.00038; ESP Exome Variant Server 0.00046; TOPMed 0.00048.
gnomAD v4.1: 137 of 1,614,040 alleles (0.0085%); highest among the groups gnomAD compares: African/African-American, 0.12%; no homozygotes.

Submissions (2):

Blueprint Genetics
Classification: Likely benign. Last evaluated: 2024-08-21. Review status: criteria provided, single submitter. Criteria: ACMG Guidelines, 2015. Collection method: clinical testing. Allele origin: germline.

PreventionGenetics, part of Exact Sciences
Classification: Likely benign for STAG3-related condition. Last evaluated: 2019-08-28. Review status: no assertion criteria provided. Collection method: clinical testing. Allele origin: germline. Not counted in ClinVar's aggregate classification.
Comment: This variant is classified as likely benign based on ACMG/AMP sequence variant interpretation guidelines (Richards et al. 2015 PMID: 25741868, with internal and published modifications).